The following is an entry in ClinVar:

NM_005765.3(ATP6AP2):c.50A>G (p.Asn17Ser)

Gene: ATP6AP2 (ATPase H+ transporting accessory protein 2; plus strand). Cytogenetic location: Xp11.4.
Variant type: single nucleotide variant.
Coding change: c.50A>G on transcript NM_005765.3 (MANE Select); coding-DNA position 50, A replaced by G.
Protein change: p.Asn17Ser; replaces asparagine 17 with serine.
Molecular consequence: missense variant.
Genome position (GRCh38, 1-based): chrX:40,588,998, A>G. VCF-style: chrX-40588998-A-G. GRCh37 (hg19) VCF-style: chrX-40448250-A-G.
Other names: short protein forms N17S.
Identifiers: ClinVar variation 862603 (VCV000862603.9), dbSNP rs1926552105, ClinGen allele CA412752148.

ClinVar aggregate classification (germline): Uncertain significance. Review status: criteria provided, multiple submitters, no conflicts (2 of 4 stars). 2 submissions from 2 submitters: Uncertain significance (2). Last evaluated 2025-10-13.

Conditions:
Intellectual developmental disorder, X-linked, syndromic, Hedera type. Also called: Syndromic X-linked intellectual disability Hedera type. Identifiers: Orphanet 93952, MedGen C1845543, MONDO:0010319, OMIM 300423.

Submissions (2):

GeneDx
Classification: Uncertain significance. Last evaluated: 2025-10-13. Review status: criteria provided, single submitter. Criteria: GeneDx Variant Classification Process June 2021. Collection method: clinical testing. Allele origin: germline. Affected: yes.
Comment: Not observed at significant frequency in large population cohorts (gnomAD); In silico analysis suggests that this missense variant does not alter protein structure/function; Has not been previously published as pathogenic or benign to our knowledge

Labcorp Genetics (formerly Invitae), Labcorp
Classification: Uncertain significance for Intellectual developmental disorder, X-linked, syndromic, Hedera type. Last evaluated: 2024-12-12. Review status: criteria provided, single submitter. Criteria: Invitae Variant Classification Sherloc (09022015). Collection method: clinical testing. Allele origin: germline.
Comment: This sequence change replaces asparagine, which is neutral and polar, with serine, which is neutral and polar, at codon 17 of the ATP6AP2 protein (p.Asn17Ser). This variant is not present in population databases (gnomAD no frequency). This variant has not been reported in the literature in individuals affected with ATP6AP2-related conditions. ClinVar contains an entry for this variant (Variation ID: 862603). Invitae Evidence Modeling of protein sequence and biophysical properties (such as structural, functional, and spatial information, amino acid conservation, physicochemical variation, residue mobility, and thermodynamic stability) indicates that this missense variant is not expected to disrupt ATP6AP2 protein function with a negative predictive value of 80%. In summary, the available evidence is currently insufficient to determine the role of this variant in disease. Therefore, it has been classified as a Variant of Uncertain Significance.